The following is an entry in ClinVar:

NM_178857.6(RP1L1):c.658G>A (p.Ala220Thr)

Gene: RP1L1 (RP1 like 1). Cytogenetic location: 8p23.1.
Variant type: single nucleotide variant.
Coding change: c.658G>A on transcript NM_178857.6 (MANE Select); coding-DNA position 658, G replaced by A.
Protein change: p.Ala220Thr; replaces alanine 220 with threonine.
Molecular consequence: missense variant.
Genome position (GRCh38, 1-based): chr8:10,616,539, C>T on the plus strand (G>A on the coding strand, the complement: RP1L1 is on the minus strand). VCF-style: chr8-10616539-C-T. GRCh37 (hg19) VCF-style: chr8-10474049-C-T.
Other names: short protein forms A220T.
Identifiers: ClinVar variation 3672281 (VCV003672281.2).

ClinVar aggregate classification (germline): Uncertain significance (1 of 4 stars; one submission).

gnomAD v4.1: 6 of 1,614,050 alleles (0.00037%); highest among the groups gnomAD compares: Admixed American, 0.0033%; no homozygotes.

Submission:

Labcorp Genetics (formerly Invitae), Labcorp
Classification: Uncertain significance. Last evaluated: 2025-01-15. Review status: criteria provided, single submitter. Criteria: Invitae Variant Classification Sherloc (09022015). Collection method: clinical testing. Allele origin: germline.
Comment: This sequence change replaces alanine, which is neutral and non-polar, with threonine, which is neutral and polar, at codon 220 of the RP1L1 protein (p.Ala220Thr). This variant is present in population databases (rs765852714, gnomAD 0.006%). This variant has not been reported in the literature in individuals affected with RP1L1-related conditions. Invitae Evidence Modeling of protein sequence and biophysical properties (such as structural, functional, and spatial information, amino acid conservation, physicochemical variation, residue mobility, and thermodynamic stability) has been performed for this missense variant. However, the output from this modeling did not meet the statistical confidence thresholds required to predict the impact of this variant on RP1L1 protein function. In summary, the available evidence is currently insufficient to determine the role of this variant in disease. Therefore, it has been classified as a Variant of Uncertain Significance.